The following is an entry in ClinVar:

ClinVar aggregate classification (germline): Uncertain significance. Review status: criteria provided, multiple submitters, no conflicts (2 of 4 stars). 2 submissions from 2 submitters: Uncertain significance (2). Last evaluated 2025-08-03.

Conditions:
Inborn genetic diseases. Identifiers: MedGen C0950123, MeSH D030342.

Allele frequency attached by ClinVar (database versions not stated): gnomAD exomes 0.00002; TOPMed 0.00005; ExAC 0.00007; gnomAD 0.00007; 1000 Genomes Project 30x 0.00016; 1000 Genomes Project 0.00020.
gnomAD v4.1: 53 of 1,613,722 alleles (0.0033%); highest among the groups gnomAD compares: East Asian, 0.067%; no homozygotes.

Submissions (2):

Labcorp Genetics (formerly Invitae), Labcorp
Classification: Uncertain significance. Last evaluated: 2025-08-03. Review status: criteria provided, single submitter. Criteria: Invitae Variant Classification Sherloc (09022015). Collection method: clinical testing. Allele origin: germline.
Comment: This sequence change replaces serine, which is neutral and polar, with asparagine, which is neutral and polar, at codon 274 of the CDSN protein (p.Ser274Asn). This variant is present in population databases (rs547406928, gnomAD 0.1%). This variant has not been reported in the literature in individuals affected with CDSN-related conditions. ClinVar contains an entry for this variant (Variation ID: 2592714). Invitae Evidence Modeling of protein sequence and biophysical properties (such as structural, functional, and spatial information, amino acid conservation, physicochemical variation, residue mobility, and thermodynamic stability) indicates that this missense variant is not expected to disrupt CDSN protein function with a negative predictive value of 80%. In summary, the available evidence is currently insufficient to determine the role of this variant in disease. Therefore, it has been classified as a Variant of Uncertain Significance.

Ambry Genetics
Classification: Uncertain significance for Inborn genetic diseases. Last evaluated: 2023-08-20. Review status: criteria provided, single submitter. Criteria: Ambry Variant Classification Scheme 2023. Collection method: clinical testing. Allele origin: germline.

NM_001264.5(CDSN):c.821G>A (p.Ser274Asn)

Genes: CDSN (corneodesmosin; minus strand), PSORS1C1 (psoriasis susceptibility 1 candidate 1; plus strand). Cytogenetic location: 6p21.33.
Variant type: single nucleotide variant.
Coding change: c.821G>A on transcript NM_001264.5 (MANE Select); coding-DNA position 821, G replaced by A.
Protein change: p.Ser274Asn; replaces serine 274 with asparagine.
Molecular consequence: missense variant. On other transcripts: intron variant (1).
Genome position (GRCh38, 1-based): chr6:31,116,794, C>T on the plus strand (G>A on the coding strand, the complement: CDSN is on the minus strand). VCF-style: chr6-31116794-C-T. GRCh37 (hg19) VCF-style: chr6-31084571-C-T.
Other names: c.-229+1903C>T (NM_014068.3); short protein forms S274N.
Identifiers: ClinVar variation 2592714 (VCV002592714.3), dbSNP rs547406928, ClinGen allele CA3708420.
Genomic context (GRCh38, chr6:31,116,794, plus strand): 5'-CCATAGGATTTGTCTACAGAGGTGATTGGGGGACAGGGCTTGCCTGGAAGGCCACCATTG[C>T]TACAGGGGGGACCTTGAACCACTCCAGGGGCACCAGAACCGTGCTGGTCCACCACCACCA-3'
Protein context (NP_001255.4, residues 264-284): APGVVQGPPC[Ser274Asn]NGGLPGKPCP